The following is an entry in ClinVar:

ClinVar aggregate classification (germline): Uncertain significance (1 of 4 stars; one submission).

Submission:

Dasa
Classification: Uncertain significance. Last evaluated: 2025-10-24. Review status: criteria provided, single submitter. Criteria: DASA Assertion Criteria. Collection method: clinical testing. Allele origin: germline.
Comment: NM_007118.4(TRIO):c.8924C>A (p.Thr2975Lys) is a missense variant that results in the substitution of threonine with lysine. This variant is absent from population databases. The currently available literature and clinical evidence are not sufficient to establish a definitive association between this variant and the reported condition. Therefore, this variant is classified as a variant of uncertain significance.

NM_007118.4(TRIO):c.8924C>A (p.Thr2975Lys)

Gene: TRIO (trio Rho guanine nucleotide exchange factor; plus strand). Cytogenetic location: 5p15.2.
Variant type: single nucleotide variant.
Coding change: c.8924C>A on transcript NM_007118.4 (MANE Select); coding-DNA position 8924, C replaced by A.
Protein change: p.Thr2975Lys; replaces threonine 2975 with lysine.
Molecular consequence: missense variant. On other transcripts: non-coding transcript variant (1).
Genome position (GRCh38, 1-based): chr5:14,508,052, C>A. VCF-style: chr5-14508052-C-A. GRCh37 (hg19) VCF-style: chr5-14508161-C-A.
Other names: short protein forms T2975K.
Identifiers: ClinVar variation 4886708 (VCV004886708.2).